The following is an entry in ClinVar:

ClinVar aggregate classification (germline): Likely benign (1 of 4 stars; one submission).

Conditions:
Marfan syndrome (MFS). Also called: MARFAN SYNDROME, TYPE I; Marfan syndrome type 1; Marfan's syndrome; Marfan syndrome, classic; FBN1-Related Marfan Syndrome. Identifiers: Orphanet 284963, Orphanet 558, MedGen C0024796, MONDO:0007947, OMIM 154700.

Submission:

Equipe Genetique des Anomalies du Developpement, Université de Bourgogne
Classification: Likely benign for Marfan syndrome. Last evaluated: 2022-08-05. Review status: criteria provided, single submitter. Criteria: ACMG Guidelines, 2015. Collection method: clinical testing. Allele origin: paternal. Affected: yes.
Comment: Fonctional studies showed no effect on splicing after RNA sequecing.

NM_000138.5(FBN1):c.3464-8C>G

Gene: FBN1 (fibrillin 1; minus strand). Cytogenetic location: 15q21.1.
Variant type: single nucleotide variant.
Coding change: c.3464-8C>G on transcript NM_000138.5 (MANE Select); 8 bases into the intron before coding-DNA position 3464, C replaced by G.
Molecular consequence: intron variant.
Genome position (GRCh38, 1-based): chr15:48,487,208, G>C on the plus strand (C>G on the coding strand, the complement: FBN1 is on the minus strand). VCF-style: chr15-48487208-G-C. GRCh37 (hg19) VCF-style: chr15-48779405-G-C.
Other names: c.3464-8C>G (NM_001406716.1).
Identifiers: ClinVar variation 3220890 (VCV003220890.1), dbSNP rs2505549686, ClinGen allele CA2825002282.